The following is an entry in ClinVar:

NM_000214.3(JAG1):c.3648C>A (p.Tyr1216Ter)

Gene: JAG1 (jagged canonical Notch ligand 1; minus strand). Cytogenetic location: 20p12.2.
Variant type: single nucleotide variant.
Coding change: c.3648C>A on transcript NM_000214.3 (MANE Select); coding-DNA position 3648, C replaced by A.
Protein change: p.Tyr1216Ter; replaces tyrosine 1216 with a stop codon.
Molecular consequence: nonsense.
Genome position (GRCh38, 1-based): chr20:10,639,507, G>T on the plus strand (C>A on the coding strand, the complement: JAG1 is on the minus strand). VCF-style: chr20-10639507-G-T. GRCh37 (hg19) VCF-style: chr20-10620155-G-T.
Other names: short protein forms Y1216*.
Identifiers: ClinVar variation 2446317 (VCV002446317.1), dbSNP rs2514506063, ClinGen allele CA408242213.

ClinVar aggregate classification (germline): Uncertain significance (1 of 4 stars; one submission).

Submission:

GeneDx
Classification: Uncertain significance. Last evaluated: 2022-09-26. Review status: criteria provided, single submitter. Criteria: GeneDx Variant Classification Process June 2021. Collection method: clinical testing. Allele origin: germline. Affected: yes.
Comment: Not observed at significant frequency in large population cohorts (gnomAD); Nonsense variant predicted to result in protein truncation as the last 3 amino acids are lost, although loss-of-function variants have not been reported downstream of this position in the protein; Has not been previously published as pathogenic or benign to our knowledge